The following is an entry in ClinVar:

NM_001939.3(DRP2):c.2114+1G>A

Gene: DRP2 (dystrophin related protein 2; plus strand). Cytogenetic location: Xq22.1.
Variant type: single nucleotide variant.
Coding change: c.2114+1G>A on transcript NM_001939.3 (MANE Select); the canonical splice donor site of the intron after coding-DNA position 2114, G replaced by A.
Molecular consequence: splice donor variant.
Genome position (GRCh38, 1-based): chrX:101,254,562, G>A. VCF-style: chrX-101254562-G-A. GRCh37 (hg19) VCF-style: chrX-100509551-G-A.
Other names: c.1880+1G>A (NM_001171184.2).
Identifiers: ClinVar variation 1491516 (VCV001491516.6), dbSNP rs2147351107, ClinGen allele CA413935287.

ClinVar aggregate classification (germline): Likely pathogenic (1 of 4 stars; one submission).

Submission:

Labcorp Genetics (formerly Invitae), Labcorp
Classification: Likely pathogenic. Last evaluated: 2024-12-27. Review status: criteria provided, single submitter. Criteria: Invitae Variant Classification Sherloc (09022015). Collection method: clinical testing. Allele origin: germline.
Comment: This sequence change affects a donor splice site in intron 18 of the DRP2 gene. It is expected to disrupt RNA splicing. Variants that disrupt the donor or acceptor splice site typically lead to a loss of protein function (PMID: 16199547), and loss-of-function variants in DRP2 are known to be pathogenic (PMID: 22764250, 26227883). This variant is not present in population databases (gnomAD no frequency). This variant has not been reported in the literature in individuals affected with DRP2-related conditions. ClinVar contains an entry for this variant (Variation ID: 1491516). Algorithms developed to predict the effect of sequence changes on RNA splicing suggest that this variant may disrupt the consensus splice site. In summary, the currently available evidence indicates that the variant is pathogenic, but additional data are needed to prove that conclusively. Therefore, this variant has been classified as Likely Pathogenic.

Literature cited by the submitters: PubMed 16199547; PubMed 22764250; PubMed 26227883.